The following is an entry in ClinVar:

ClinVar aggregate classification (germline): Likely benign (1 of 4 stars; one submission).

Allele frequency attached by ClinVar (database versions not stated): gnomAD exomes 0.00008; 1000 Genomes Project 30x 0.00031; 1000 Genomes Project 0.00040; gnomAD 0.00059; TOPMed 0.00092.
gnomAD v4.1: 108 of 398,516 alleles (0.027%); highest among the groups gnomAD compares: African/African-American, 0.21%; no homozygotes.

Submission:

CeGaT Center for Human Genetics Tuebingen
Classification: Likely benign. Last evaluated: 2022-11-01. Review status: criteria provided, single submitter. Criteria: CeGaT Center For Human Genetics Tuebingen Variant Classification Criteria Version 2. Collection method: clinical testing. Allele origin: germline. Affected: yes. Observed: 1 variant allele.
Comment: KCNQ1OT1: BS1

NM_000218.3(KCNQ1):c.1514+13229T>C

Genes: KCNQ1 (potassium voltage-gated channel subfamily Q member 1; plus strand), KCNQ1OT1 (KCNQ1 opposite strand/antisense transcript 1; minus strand). Cytogenetic location: 11p15.5.
Variant type: single nucleotide variant.
Coding change: c.1514+13229T>C on transcript NM_000218.3 (MANE Select); 13229 bases into the intron after coding-DNA position 1514, T replaced by C.
Molecular consequence: intron variant. On other transcripts: non-coding transcript variant (1).
Genome position (GRCh38, 1-based): chr11:2,675,310, T>C. VCF-style: chr11-2675310-T-C. GRCh37 (hg19) VCF-style: chr11-2696540-T-C.
Other names: c.1244+13229T>C (NM_001406837.1); c.1418+13229T>C (NM_001406836.1); c.974+13229T>C (NM_001406838.1); c.1133+13229T>C (NM_181798.2).
Identifiers: ClinVar variation 2641474 (VCV002641474.24), dbSNP rs536108344, ClinGen allele CA216180951.
Genomic context (GRCh38, chr11:2,675,310, plus strand): 5'-TGTTTCAGAAGTGAAGATAACTCACCTCTCCCAAAAGCAGAGTTTTGGCAATATAAAACA[T>C]GAAAGTGGGATGGGATCTAAGTCATATTTTTTTAATGAGTTTAAAACACGTGTGTGCATT-3'